The following is an entry in ClinVar:

NM_001048174.2(MUTYH):c.512G>T (p.Gly171Val)

Gene: MUTYH (mutY DNA glycosylase; minus strand). Cytogenetic location: 1p34.1.
Variant type: single nucleotide variant.
Coding change: c.512G>T on transcript NM_001048174.2 (MANE Select); coding-DNA position 512, G replaced by T.
Protein change: p.Gly171Val; replaces glycine 171 with valine.
Molecular consequence: missense variant. On other transcripts: non-coding transcript variant (7).
Genome position (GRCh38, 1-based): chr1:45,332,668, C>A on the plus strand (G>T on the coding strand, the complement: MUTYH is on the minus strand). VCF-style: chr1-45332668-C-A. GRCh37 (hg19) VCF-style: chr1-45798340-C-A.
Other names: c.512G>T, p.Gly171Val (NM_001048171.2, NM_001048173.2, NM_001293195.2 and 6 more transcripts); c.515G>T, p.Gly172Val (NM_001048172.2, NM_001407071.1, NM_001407078.1 and 1 more transcripts); c.596G>T, p.Gly199Val (NM_001128425.2); c.557G>T, p.Gly186Val (NM_001293190.2); c.545G>T, p.Gly182Val (NM_001293191.2, NM_001407069.1, NM_001407077.1); c.236G>T, p.Gly79Val (NM_001293192.2, NM_001293196.2, NM_001407091.1); c.167G>T, p.Gly56Val (NM_001350650.2, NM_001350651.2, NM_001407082.1); c.428G>T, p.Gly143Val (NM_001407075.1); and 5 more; short protein forms G158V, G186V, G196V, G143V, G172V, G182V, G185V, G157V.
Identifiers: ClinVar variation 4659105 (VCV004659105.2).
Genomic context (GRCh38, chr1:45,332,668, plus strand): 5'-GTGTAGCGCCCCACGCCAGGCAGGAGCTGCTGCAGGGTCTCTGCTGTACGTGGCATGTGG[C>A]CCCCTAGCTCCTCTACCACCTGATTGGAGTGCAAGACTCAAGATTATAAGACACCCAAGA-3'
Protein context (NP_001041639.1, residues 161-181): GARKVVEELG[Gly171Val]HMPRTAETLQ

ClinVar aggregate classification (germline): Uncertain significance. Review status: criteria provided, multiple submitters, no conflicts (2 of 4 stars). 2 submissions from 2 submitters: Uncertain significance (2). Last evaluated 2025-10-01.

Conditions:
Hereditary cancer-predisposing syndrome. Also called: Neoplastic Syndromes, Hereditary; Tumor predisposition; Hereditary Cancer Syndrome; Hereditary neoplastic syndrome. Identifiers: Orphanet 140162, MedGen C0027672, MeSH D009386, MONDO:0015356.

gnomAD v4.1: 1 of 1,614,082 alleles (0.000062%); highest among the groups gnomAD compares: Admixed American, 0.0017%; no homozygotes.

Submissions (2):

Ambry Genetics
Classification: Uncertain significance for Hereditary cancer-predisposing syndrome. Last evaluated: 2025-10-01. Review status: criteria provided, single submitter. Criteria: Ambry Variant Classification Scheme 2023. Collection method: clinical testing. Allele origin: germline.
Comment: The p.G199V variant (also known as c.596G>T), located in coding exon 8 of the MUTYH gene, results from a G to T substitution at nucleotide position 596. The glycine at codon 199 is replaced by valine, an amino acid with dissimilar properties. This amino acid position is conserved. In addition, this alteration is predicted to be deleterious by in silico analysis. Based on the available evidence, the clinical significance of this variant remains unclear.

Color Diagnostics, LLC DBA Color Health
Classification: Uncertain significance for Hereditary cancer-predisposing syndrome. Last evaluated: 2025-09-05. Review status: criteria provided, single submitter. Criteria: ACMG Guidelines, 2015. Collection method: clinical testing. Allele origin: germline.
Comment: This missense variant replaces glycine with valine at codon 199 of the MUTYH protein. Computational prediction suggests that this variant may have deleterious impact on protein structure and function. To our knowledge, functional studies have not been reported for this variant. This variant has not been reported in individuals affected with MUTYH-related disorders in the literature. This variant has been identified in 1/251450 chromosomes in the general population by the Genome Aggregation Database (gnomAD). The available evidence is insufficient to determine the role of this variant in disease conclusively. Therefore, this variant is classified as a Variant of Uncertain Significance.